The following is an entry in ClinVar:

NM_001267550.2(TTN):c.104109dup (p.Glu34704Ter)

Genes: TTN (titin; minus strand), TTN-AS1 (TTN antisense RNA 1; plus strand). Cytogenetic location: 2q31.2.
Variant type: Duplication.
Coding change: c.104109dup on transcript NM_001267550.2 (MANE Select); coding-DNA position 104109, one base duplicated (T; older notation c.104109dupT).
Protein change: p.Glu34704Ter; replaces glutamic acid 34704 with a stop codon.
Molecular consequence: nonsense. On other transcripts: frameshift variant (1).
Genome position (GRCh38, 1-based): chr2:178,532,506, A duplicated on the plus strand (T on the coding strand, the reverse complement: TTN is on the minus strand); the first of 3 consecutive A bases (chr2:178,532,506-178,532,508); duplicating any one gives the same sequence. VCF-style (leftmost placement, unchanged base first): chr2-178532505-C-CA. GRCh37 (hg19) VCF-style: chr2-179397232-C-CA.
Other names: c.104109dup (NM_001267550.1); c.99186dup, p.Glu33063Ter (NM_001256850.1); c.76914dup, p.Glu25639Ter (NM_003319.4); c.96405dup, p.Glu32136Ter (NM_133378.4); c.77289dup, p.Glu25764Ter (NM_133432.3); c.77490dup, p.Glu25831Ter (NM_133437.4); short protein forms E25639*, E25764*, E25831*, E32136*, E33063*, E34704*.
Identifiers: ClinVar variation 4529663 (VCV004529663.3).

ClinVar aggregate classification (germline): Likely pathogenic (1 of 4 stars; one submission).

Conditions:
TTN-related cardiac and skeletal myopathy.

Submission:

GeneDx
Classification: Likely pathogenic. Last evaluated: 2026-01-29. Review status: criteria provided, single submitter. Criteria: GeneDx Variant Classification Process June 2021. Collection method: clinical testing. Allele origin: germline.
Comment: Nonsense variant predicted to result in protein truncation or nonsense mediated decay in a gene for which loss of function is a known mechanism of disease; Located in the M-band, a region of TTN for which truncating variants are significantly associated with autosomal recessive skeletal myopathies and also with autosomal dominant cardiomyopathy (PMID: 17444505, 32778822, 36637017); Identified in a patient with limb-girdle weakness and in a patient with distal myopathy who harbored a second pathogenic TTN variant, however phase of the variants was unknown (PMID: 32528171, 28295036); Not observed at significant frequency in large population cohorts (gnomAD); This variant is associated with the following publications: (PMID: 32778822, 32528171, 28295036, 17444505, 36637017)